The following is an entry in ClinVar:

ClinVar aggregate classification (germline): Conflicting classifications of pathogenicity. Review status: criteria provided, conflicting classifications (1 of 4 stars). 4 submissions from 4 submitters: Uncertain significance (3); Likely benign (1). Last evaluated 2026-01-26.

Conditions:
Cardiovascular phenotype. Identifiers: MedGen CN230736.
Alstrom syndrome (ALMS). Identifiers: Orphanet 64, MedGen C0268425, MONDO:0008763, OMIM 203800.

Allele frequency attached by ClinVar (database versions not stated): gnomAD exomes 0.00003 and 0.00006; TOPMed 0.00003; gnomAD 0.00001; ExAC 0.00002.
gnomAD v4.1: 16 of 1,613,916 alleles (0.00099%); highest among the groups gnomAD compares: Admixed American, 0.027%; no homozygotes.

Submissions (4):

Labcorp Genetics (formerly Invitae), Labcorp
Classification: Uncertain significance for Alstrom syndrome. Last evaluated: 2026-01-26. Review status: criteria provided, single submitter. Criteria: Invitae Variant Classification Sherloc (09022015). Collection method: clinical testing. Allele origin: germline.
Comment: This sequence change replaces proline, which is neutral and non-polar, with alanine, which is neutral and non-polar, at codon 1970 of the ALMS1 protein (p.Pro1970Ala). This variant is present in population databases (rs552496175, gnomAD 0.04%). This variant has not been reported in the literature in individuals affected with ALMS1-related conditions. ClinVar contains an entry for this variant (Variation ID: 1375735). Experimental studies and prediction algorithms are not available or were not evaluated, and the functional significance of this variant is currently unknown. In summary, the available evidence is currently insufficient to determine the role of this variant in disease. Therefore, it has been classified as a Variant of Uncertain Significance.

Women's Health and Genetics/Laboratory Corporation of America, LabCorp
Classification: Uncertain significance. Last evaluated: 2025-05-22. Review status: criteria provided, single submitter. Criteria: LabCorp Variant Classification Summary - May 2015. Collection method: clinical testing. Allele origin: germline.

Ambry Genetics
Classification: Likely benign for Cardiovascular phenotype. Last evaluated: 2024-02-09. Review status: criteria provided, single submitter. Criteria: Ambry Variant Classification Scheme 2023. Collection method: clinical testing. Allele origin: germline.

Fulgent Genetics
Classification: Uncertain significance for Alstrom syndrome. Last evaluated: 2022-04-09. Review status: criteria provided, single submitter. Criteria: ACMG Guidelines, 2015. Collection method: clinical testing. Allele origin: unknown.

NM_001378454.1(ALMS1):c.5905C>G (p.Pro1969Ala)

Gene: ALMS1 (ALMS1 centrosome and basal body associated protein; plus strand). Cytogenetic location: 2p13.1.
Variant type: single nucleotide variant.
Coding change: c.5905C>G on transcript NM_001378454.1 (MANE Select); coding-DNA position 5905, C replaced by G.
Protein change: p.Pro1969Ala; replaces proline 1969 with alanine.
Molecular consequence: missense variant.
Genome position (GRCh38, 1-based): chr2:73,452,432, C>G. VCF-style: chr2-73452432-C-G. GRCh37 (hg19) VCF-style: chr2-73679559-C-G.
Other names: c.5908C>G, p.Pro1970Ala (NM_015120.4); short protein forms P1970A, P1969A.
Identifiers: ClinVar variation 1375735 (VCV001375735.8), dbSNP rs552496175, ClinGen allele CA1713955.